The following is an entry in ClinVar:

NM_020822.3(KCNT1):c.20C>A (p.Ala7Glu)

Gene: KCNT1 (potassium sodium-activated channel subfamily T member 1; plus strand). Cytogenetic location: 9q34.3.
Variant type: single nucleotide variant.
Coding change: c.20C>A on transcript NM_020822.3 (MANE Select); coding-DNA position 20, C replaced by A.
Protein change: p.Ala7Glu; replaces alanine 7 with glutamic acid.
Molecular consequence: missense variant.
Genome position (GRCh38, 1-based): chr9:135,702,278, C>A. VCF-style: chr9-135702278-C-A. GRCh37 (hg19) VCF-style: chr9-138594124-C-A.
Other names: c.20C>A, p.Ala7Glu (NM_001272003.2); short protein forms A7E.
Identifiers: ClinVar variation 3532694 (VCV003532694.3).

ClinVar aggregate classification (germline): Uncertain significance. Review status: criteria provided, multiple submitters, no conflicts (2 of 4 stars). 2 submissions from 2 submitters: Uncertain significance (2). Last evaluated 2025-07-02.

Conditions:
Autosomal dominant nocturnal frontal lobe epilepsy 5. Also called: CILIARY DYSKINESIA, PRIMARY, 28, WITHOUT SITUS INVERSUS; CILIARY DYSKINESIA, PRIMARY, 28, WITH SITUS INVERSUS; KCNT1-Related Epilepsy; Epilepsy, nocturnal frontal lobe, 5. Identifiers: Orphanet 98784, MedGen C3554306, MONDO:0014002, OMIM 615005.
Developmental and epileptic encephalopathy, 14 (DEE14). Also called: Early infantile epileptic encephalopathy 14. Identifiers: Orphanet 293181, MedGen C3554195, MONDO:0013989, OMIM 614959.
Inborn genetic diseases. Identifiers: MedGen C0950123, MeSH D030342.

gnomAD v4.1: 1 of 1,608,830 alleles (0.000062%); no homozygotes.

Submissions (2):

Labcorp Genetics (formerly Invitae), Labcorp
Classification: Uncertain significance for Autosomal dominant nocturnal frontal lobe epilepsy 5; Developmental and epileptic encephalopathy, 14. Last evaluated: 2025-07-02. Review status: criteria provided, single submitter. Criteria: Invitae Variant Classification Sherloc (09022015). Collection method: clinical testing. Allele origin: germline.
Comment: This sequence change replaces alanine, which is neutral and non-polar, with glutamic acid, which is acidic and polar, at codon 7 of the KCNT1 protein (p.Ala7Glu). This variant is not present in population databases (gnomAD no frequency). This variant has not been reported in the literature in individuals affected with KCNT1-related conditions. ClinVar contains an entry for this variant (Variation ID: 3532694). Invitae Evidence Modeling of protein sequence and biophysical properties (such as structural, functional, and spatial information, amino acid conservation, physicochemical variation, residue mobility, and thermodynamic stability) indicates that this missense variant is not expected to disrupt KCNT1 protein function with a negative predictive value of 95%. In summary, the available evidence is currently insufficient to determine the role of this variant in disease. Therefore, it has been classified as a Variant of Uncertain Significance.

Ambry Genetics
Classification: Uncertain significance for Inborn genetic diseases. Last evaluated: 2024-11-25. Review status: criteria provided, single submitter. Criteria: Ambry Variant Classification Scheme 2023. Collection method: clinical testing. Allele origin: germline.